The following is an entry in ClinVar:

NM_007294.4(BRCA1):c.18T>G (p.Leu6=)

Gene: BRCA1 (BRCA1 DNA repair associated; minus strand). Cytogenetic location: 17q21.31.
Variant type: single nucleotide variant.
Coding change: c.18T>G on transcript NM_007294.4 (MANE Select); coding-DNA position 18, T replaced by G.
Protein change: p.Leu6=; no amino-acid change (leucine 6 retained).
Molecular consequence: synonymous variant. On other transcripts: 5 prime UTR variant (136), intron variant (36).
Genome position (GRCh38, 1-based): chr17:43,124,079, A>C on the plus strand (T>G on the coding strand, the complement: BRCA1 is on the minus strand). VCF-style: chr17-43124079-A-C. GRCh37 (hg19) VCF-style: chr17-41276096-A-C.
Other names: c.18T>G, p.Leu6= (NM_001407984.1, NM_001407985.1, NM_001407986.1 and 193 more transcripts); c.-243T>G (NM_001408410.1, NM_001408452.1, NM_001408462.1 and 22 more transcripts); c.-70T>G (NM_001408454.1, NM_001408459.1, NM_001408460.1 and 23 more transcripts); c.-240T>G (NM_001408455.1, NM_001408456.1, NM_001408468.1 and 11 more transcripts); c.-244T>G (NM_001408465.1, NM_001407695.1); c.-171T>G (NM_001408478.1, NM_001408479.1, NM_001408480.1 and 46 more transcripts); c.-316T>G (NM_001408482.1); c.-287T>G (NM_001408492.1, NM_001407889.1); and 23 more.
Identifiers: ClinVar variation 869077 (VCV000869077.3), dbSNP rs2055741449, ClinGen allele CA500131484.

Conditions:
Breast-ovarian cancer, familial, susceptibility to, 1 (BROVCA1). Also called: BRCA1 Hereditary Breast and Ovarian Cancer; OVARIAN CANCER, SUSCEPTIBILITY TO. Identifiers: Orphanet 145, MedGen C2676676, MONDO:0011450, OMIM 604370. Disease mechanism: loss of function.

Submission:

Brotman Baty Institute, University of Washington
No classification provided (evidence only). Condition: Breast-ovarian cancer, familial 1. Review status: no classification provided. Collection method: in vitro. Allele origin: not applicable. Functional consequence: functionally_normal.
ClinVar note: "not provided" was previously submitted as the classification for the variant. However, the classification appeared to be based only on an observation of functional data so it was converted to no classification on 2025-07-30.